The following is an entry in ClinVar:

NM_001029883.3(PCARE):c.946A>G (p.Asn316Asp)

Gene: PCARE (photoreceptor cilium actin regulator; minus strand). Cytogenetic location: 2p23.2.
Variant type: single nucleotide variant.
Coding change: c.946A>G on transcript NM_001029883.3 (MANE Select); coding-DNA position 946, A replaced by G.
Protein change: p.Asn316Asp; replaces asparagine 316 with aspartic acid.
Molecular consequence: missense variant.
Genome position (GRCh38, 1-based): chr2:29,073,316, T>C on the plus strand (A>G on the coding strand, the complement: PCARE is on the minus strand). VCF-style: chr2-29073316-T-C. GRCh37 (hg19) VCF-style: chr2-29296182-T-C.
Other names: short protein forms N316D.
Identifiers: ClinVar variation 1930044 (VCV001930044.2), dbSNP rs1667527358, ClinGen allele CA346481223.

ClinVar aggregate classification (germline): Uncertain significance (1 of 4 stars; one submission).

Allele frequency attached by ClinVar (database versions not stated): gnomAD exomes below 0.00001; TOPMed below 0.00001; gnomAD 0.00001.
gnomAD v4.1: 6 of 1,613,956 alleles (0.00037%); highest among the groups gnomAD compares: Non-Finnish European, 0.00051%; no homozygotes.

Submission:

Labcorp Genetics (formerly Invitae), Labcorp
Classification: Uncertain significance. Last evaluated: 2022-07-11. Review status: criteria provided, single submitter. Criteria: Invitae Variant Classification Sherloc (09022015). Collection method: clinical testing. Allele origin: germline.
Comment: This sequence change replaces asparagine, which is neutral and polar, with aspartic acid, which is acidic and polar, at codon 316 of the PCARE protein (p.Asn316Asp). This variant is not present in population databases (gnomAD no frequency). This variant has not been reported in the literature in individuals affected with PCARE-related conditions. Algorithms developed to predict the effect of missense changes on protein structure and function output the following: SIFT: "Tolerated"; PolyPhen-2: "Benign"; Align-GVGD: "Class C0". The aspartic acid amino acid residue is found in multiple mammalian species, which suggests that this missense change does not adversely affect protein function. In summary, the available evidence is currently insufficient to determine the role of this variant in disease. Therefore, it has been classified as a Variant of Uncertain Significance.